The following is an entry in ClinVar:

NM_004168.4(SDHA):c.914G>A (p.Cys305Tyr)

Gene: SDHA (succinate dehydrogenase complex flavoprotein subunit A; plus strand). Cytogenetic location: 5p15.33.
Variant type: single nucleotide variant.
Coding change: c.914G>A on transcript NM_004168.4 (MANE Select); coding-DNA position 914, G replaced by A.
Protein change: p.Cys305Tyr; replaces cysteine 305 with tyrosine.
Molecular consequence: missense variant.
Genome position (GRCh38, 1-based): chr5:233,495, G>A. VCF-style: chr5-233495-G-A. GRCh37 (hg19) VCF-style: chr5-233610-G-A.
Other names: c.770G>A, p.Cys257Tyr (NM_001294332.2); c.914G>A, p.Cys305Tyr (NM_001330758.2); short protein forms C305Y, C257Y.
Identifiers: ClinVar variation 412387 (VCV000412387.20), dbSNP rs878854638, ClinGen allele CA16611838.

ClinVar aggregate classification (germline): Uncertain significance. Review status: criteria provided, multiple submitters, no conflicts (2 of 4 stars). 5 submissions from 5 submitters: Uncertain significance (4). 1 of the submissions does not count toward it. Last evaluated 2026-02-03.

Conditions:
Mitochondrial complex II deficiency, nuclear type 1. Also called: SUCCINATE CoQ REDUCTASE DEFICIENCY. Identifiers: Orphanet 3208, MedGen C5700310, MONDO:0100294, OMIM 252011.
Pheochromocytoma/paraganglioma syndrome 5. Also called: SDHA-Related Hereditary Paraganglioma-Pheochromocytoma Syndrome; Paragangliomas 5. Identifiers: Orphanet 29072, MedGen C3279992, MONDO:0013602, OMIM 614165.
Hereditary cancer-predisposing syndrome. Also called: Neoplastic Syndromes, Hereditary; Hereditary Cancer Syndrome; Tumor predisposition; Hereditary neoplastic syndrome. Identifiers: Orphanet 140162, MedGen C0027672, MeSH D009386, MONDO:0015356.

Allele frequency attached by ClinVar (database versions not stated): gnomAD 0.00001; TOPMed 0.00001; gnomAD exomes 0.00002.
gnomAD v4.1: 27 of 1,614,064 alleles (0.0017%); highest among the groups gnomAD compares: Non-Finnish European, 0.0021%; no homozygotes.

Submissions (5):

Labcorp Genetics (formerly Invitae), Labcorp
Classification: Uncertain significance for Pheochromocytoma/paraganglioma syndrome 5; Mitochondrial complex II deficiency, nuclear type 1. Last evaluated: 2026-02-03. Review status: criteria provided, single submitter. Criteria: Invitae Variant Classification Sherloc (09022015). Collection method: clinical testing. Allele origin: germline.
Comment: This sequence change replaces cysteine, which is neutral and slightly polar, with tyrosine, which is neutral and polar, at codon 305 of the SDHA protein (p.Cys305Tyr). This variant is not present in population databases (gnomAD no frequency). This variant has not been reported in the literature in individuals affected with SDHA-related conditions. ClinVar contains an entry for this variant (Variation ID: 412387). Invitae Evidence Modeling of protein sequence and biophysical properties (such as structural, functional, and spatial information, amino acid conservation, physicochemical variation, residue mobility, and thermodynamic stability) has been performed for this missense variant. However, the output from this modeling did not meet the statistical confidence thresholds required to predict the impact of this variant on SDHA protein function. In summary, the available evidence is currently insufficient to determine the role of this variant in disease. Therefore, it has been classified as a Variant of Uncertain Significance.

Ambry Genetics
Classification: Uncertain significance for Hereditary cancer-predisposing syndrome. Last evaluated: 2024-08-05. Review status: criteria provided, single submitter. Criteria: Ambry Variant Classification Scheme 2023. Collection method: clinical testing. Allele origin: germline.
Comment: The p.C305Y variant (also known as c.914G>A), located in coding exon 8 of the SDHA gene, results from a G to A substitution at nucleotide position 914. The cysteine at codon 305 is replaced by tyrosine, an amino acid with highly dissimilar properties. This amino acid position is highly conserved in available vertebrate species. In addition, this alteration is predicted to be deleterious by in silico analysis. Based on the available evidence, the clinical significance of this variant remains unclear.

GeneDx
Classification: Uncertain significance. Last evaluated: 2023-09-25. Review status: criteria provided, single submitter. Criteria: GeneDx Variant Classification Process June 2021. Collection method: clinical testing. Allele origin: germline. Affected: yes.
Comment: Not observed at significant frequency in large population cohorts (gnomAD); In silico analysis supports that this missense variant has a deleterious effect on protein structure/function; Has not been previously published as pathogenic or benign to our knowledge

Myriad Genetics, Inc.
Classification: Uncertain significance for Pheochromocytoma/paraganglioma syndrome 5. Last evaluated: 2023-04-20. Review status: criteria provided, single submitter. Criteria: Myriad Autosomal Dominant, Autosomal Recessive and X-Linked Classification Criteria (2023). Collection method: clinical testing. Allele origin: unknown.
Comment: This variant is classified as a variant of uncertain significance as there is insufficient evidence to determine its impact on protein function and/or cancer risk.

Counsyl
Classification: Uncertain significance for Pheochromocytoma/paraganglioma syndrome 5. Last evaluated: 2017-09-30. Review status: no assertion criteria provided. Collection method: clinical testing. Allele origin: unknown. Not counted in ClinVar's aggregate classification.